The following is an entry in ClinVar:

ClinVar aggregate classification (germline): Conflicting classifications of pathogenicity. Review status: criteria provided, conflicting classifications (1 of 4 stars). 6 submissions from 6 submitters: Likely pathogenic (4); Uncertain significance (2). Last evaluated 2026-02-06.

Conditions:
Hereditary cancer-predisposing syndrome. Also called: Tumor predisposition; Hereditary Cancer Syndrome; Neoplastic Syndromes, Hereditary; Hereditary neoplastic syndrome. Identifiers: Orphanet 140162, MedGen C0027672, MeSH D009386, MONDO:0015356.
Familial adenomatous polyposis 2. Also called: MYH-associated polyposis; FAP type 2; ADENOMAS, MULTIPLE COLORECTAL, AUTOSOMAL RECESSIVE; MUTYH Polyposis; MUTYH-associated polyposis; MUTYH-related attenuated familial adenomatous polyposis. Identifiers: Orphanet 220460, Orphanet 247798, MedGen C3272841, MONDO:0012041, OMIM 608456.

Allele frequency attached by ClinVar (database versions not stated): gnomAD exomes below 0.00001.

Submissions (6):

Myriad Genetics, Inc.
Classification: Likely pathogenic for Familial adenomatous polyposis 2. Last evaluated: 2026-02-06. Review status: criteria provided, single submitter. Criteria: Myriad Autosomal Dominant, Autosomal Recessive and X-Linked Classification Criteria (2023). Collection method: clinical testing. Allele origin: unknown.
Comment: This variant is considered likely pathogenic. mRNA analysis has demonstrated abnormal mRNA splicing occurs [Myriad internal data].

Women's Health and Genetics/Laboratory Corporation of America, LabCorp
Classification: Likely pathogenic for Familial adenomatous polyposis 2. Last evaluated: 2025-05-22. Review status: criteria provided, single submitter. Criteria: LabCorp Variant Classification Summary - May 2015. Collection method: clinical testing. Allele origin: germline.
Comment: Variant summary: MUTYH c.504G>A (p.Glu168Glu) alters a conserved nucleotide located close to a canonical splice site and therefore could affect mRNA splicing, leading to a significantly altered protein sequence. Several computational tools predict a significant impact on normal splicing: Three predict the variant weakens a 5' donor site. One predicts the variant abolishes a 5' splicing donor site. One predicts the variant creates a 3' acceptor site. Internal RNA splicing evidence suggests that this variant affects mRNA splicing, resulting primarily in skipping of exon 6, which is expected to be in frame (internal data). A variant within exon 6 (NM_001128425:c.470C>T, p.Pro157Leu) has been classified as pathogenic, suggesting that loss of this region of the protein is deleterious. The variant allele was found at a frequency of 4e-06 in 250620 control chromosomes. c.504G>A has been observed in the homozygous or unknown state in individual(s) affected with clinical features of MUTYH-Associated Polyposis but not meeting internal criteria for evidence application (Dharwadkar_2023, internal data). Further, a different laboratory has reported this variant in the presumed compound heterozygous state with a pathogenic 2nd variant in at least 1 individual with clinical features of MUTYH-associated polyposis (MAP) (Ambry Genetics, ClinVar), however these data could not be independently reviewed. These report(s) do not provide unequivocal conclusions about association of the variant with MUTYH-Associated Polyposis. The following publication has been ascertained in the context of this evaluation (PMID: 33359728). ClinVar contains an entry for this variant (Variation ID: 230572). Based on the evidence outlined above, the variant was classified as likely pathogenic.

Labcorp Genetics (formerly Invitae), Labcorp
Classification: Likely pathogenic for Familial adenomatous polyposis 2. Last evaluated: 2025-03-31. Review status: criteria provided, single submitter. Criteria: Invitae Variant Classification Sherloc (09022015). Collection method: clinical testing. Allele origin: germline.
Comment: This sequence change affects codon 168 of the MUTYH mRNA. It is a 'silent' change, meaning that it does not change the encoded amino acid sequence of the MUTYH protein. RNA analysis indicates that this variant induces altered splicing and may result in an absent or altered protein product. This variant is present in population databases (no rsID available, gnomAD 0.003%). This variant has been observed in individual(s) with MUTYH-related conditions (PMID: 33359728). ClinVar contains an entry for this variant (Variation ID: 230572). Variants that disrupt the consensus splice site are a relatively common cause of aberrant splicing (PMID: 17576681, 9536098). Studies have shown that this variant results in skipping of exon 6, and produces a non-functional protein and/or introduces a premature termination codon (internal data). In summary, the currently available evidence indicates that the variant is pathogenic, but additional data are needed to prove that conclusively. Therefore, this variant has been classified as Likely Pathogenic.

Ambry Genetics
Classification: Likely pathogenic for Hereditary cancer-predisposing syndrome. Last evaluated: 2025-02-07. Review status: criteria provided, single submitter. Criteria: Ambry Variant Classification Scheme 2023. Collection method: clinical testing. Allele origin: germline.
Comment: The c.504G>A variant (also known as p.E168E), located in coding exon 6 of the MUTYH gene, results from a G to A substitution at nucleotide position 504. This nucleotide substitution does not change the amino acid at codon 168. However, this change occurs in the last base pair of coding exon 6, which makes it likely to have some effect on normal mRNA splicing. This variant is considered to be rare based on population cohorts in the Genome Aggregation Database (gnomAD). This nucleotide position is highly conserved in available vertebrate species. In silico splice site analysis predicts that this alteration will weaken the native splice donor site. RNA studies have demonstrated that this alteration results in abnormal splicing in the set of samples tested (Ambry internal data). The resulting transcript preserves the reading frame and is not expected to trigger nonsense-mediated mRNA decay; however, the impacted region is critical for protein function and a significant portion of the protein is affected (Ambry internal data). Based on the majority of available evidence to date, this variant is likely to be pathogenic.

All of Us Research Program, National Institutes of Health
Classification: Uncertain significance for Familial adenomatous polyposis 2. Last evaluated: 2023-12-18. Review status: criteria provided, single submitter. Criteria: ACMG Guidelines, 2015. Collection method: clinical testing. Allele origin: germline. Inheritance: Autosomal recessive inheritance. Observed: 2 variant alleles, 2 heterozygotes.
Comment: This variant causes a G>A nucleotide substitution in the last nucleotide of exon 6 in the MUTYH gene. Splice site prediction tools suggest that this variant may impact RNA splicing, potentially disrupting the consensus donor splice site for this exon. This variant has been reported to impact RNA splicing by an external laboratory, however, detailed data are not available for review (ClinVar SCV000274164.6). This variant has been reported in an individual affected with early-onset colorectal cancer (PMID: 33359728). This variant has been identified in 1/250620 chromosomes in the general population by the Genome Aggregation Database (gnomAD). The available evidence is insufficient to determine the role of this variant in disease conclusively. Therefore, this variant is classified as a Variant of Uncertain Significance.

This study involves interpretation of variants in research participants for the purpose of population health screening. Participant phenotype was not available at the time of variant classification. Additional details can be found in publication PMID: 35346344, PMCID: PMC8962531

Color Diagnostics, LLC DBA Color Health
Classification: Uncertain significance for Hereditary cancer-predisposing syndrome. Last evaluated: 2023-02-09. Review status: criteria provided, single submitter. Criteria: ACMG Guidelines, 2015. Collection method: clinical testing. Allele origin: germline.
Comment: This variant causes a G>A nucleotide substitution in the last nucleotide of exon 6 in the MUTYH gene. Splice site prediction tools suggest that this variant may impact RNA splicing, potentially disrupting the consensus donor splice site for this exon. This variant has been reported to impact RNA splicing by an external laboratory, however, detailed data are not available for review (ClinVar SCV000274164.6). This variant has been reported in an individual affected with early-onset colorectal cancer (PMID: 33359728). This variant has been identified in 1/250620 chromosomes in the general population by the Genome Aggregation Database (gnomAD). The available evidence is insufficient to determine the role of this variant in disease conclusively. Therefore, this variant is classified as a Variant of Uncertain Significance.

Literature cited by the submitters: PubMed 33359728 (cited by 4 submitters); PubMed 17576681 (cited by Labcorp Genetics (formerly Invitae), Labcorp); PubMed 9536098 (cited by Labcorp Genetics (formerly Invitae), Labcorp).

NM_001048174.2(MUTYH):c.420G>A (p.Glu140=)

Gene: MUTYH (mutY DNA glycosylase; minus strand). Cytogenetic location: 1p34.1.
Variant type: single nucleotide variant.
Coding change: c.420G>A on transcript NM_001048174.2 (MANE Select); coding-DNA position 420, G replaced by A.
Protein change: p.Glu140=; no amino-acid change (glutamic acid 140 retained).
Molecular consequence: synonymous variant. On other transcripts: non-coding transcript variant (2).
Genome position (GRCh38, 1-based): chr1:45,332,918, C>T on the plus strand (G>A on the coding strand, the complement: MUTYH is on the minus strand). VCF-style: chr1-45332918-C-T. GRCh37 (hg19) VCF-style: chr1-45798590-C-T.
Other names: c.420G>A, p.Glu140= (NM_001048171.2, NM_001048173.2, NM_001293195.2); c.423G>A, p.Glu141= (NM_001048172.2); c.504G>A, p.Glu168= (NM_001128425.2); c.465G>A, p.Glu155= (NM_001293190.2); c.453G>A, p.Glu151= (NM_001293191.2); c.144G>A, p.Glu48= (NM_001293192.2, NM_001293196.2); c.75G>A, p.Glu25= (NM_001350650.2, NM_001350651.2); c.495G>A, p.Glu165= (NM_012222.3).
Identifiers: ClinVar variation 230572 (VCV000230572.24), dbSNP rs876658641, ClinGen allele CA10577733.